The following is an entry in ClinVar:

NC_000006.11:g.(?_64940475)_(64940727_?)del

Gene: EYS (eyes shut homolog; minus strand). Cytogenetic location: 6q12.
Variant type: Deletion.
Identifiers: ClinVar variation 3246094 (VCV003246094.1).

ClinVar aggregate classification (germline): Pathogenic (1 of 4 stars; one submission).

Submission:

Labcorp Genetics (formerly Invitae), Labcorp
Classification: Pathogenic. Last evaluated: 2022-09-01. Review status: criteria provided, single submitter. Criteria: Invitae Variant Classification Sherloc (09022015). Collection method: clinical testing. Allele origin: unknown.
Comment: For these reasons, this variant has been classified as Pathogenic. A similar copy number variant has been observed in individual(s) with inherited retinal disease (PMID: 31814702). This variant is a gross deletion of the genomic region encompassing exon(s) 31 of the EYS gene. This deletion is out-of-frame, and is expected to create a premature termination codon and result in an absent or disrupted protein product. Loss-of-function variants in EYS are known to be pathogenic (PMID: 18836446, 20333770).

Literature cited by the submitters: PubMed 31814702; PubMed 18836446; PubMed 20333770.